The following is an entry in ClinVar:

NM_007194.4(CHEK2):c.668C>G (p.Ser223Ter)

Gene: CHEK2 (checkpoint kinase 2; minus strand). Cytogenetic location: 22q12.1.
Variant type: single nucleotide variant.
Coding change: c.668C>G on transcript NM_007194.4 (MANE Select); coding-DNA position 668, C replaced by G.
Protein change: p.Ser223Ter; replaces serine 223 with a stop codon.
Molecular consequence: nonsense. On other transcripts: intron variant (1).
Genome position (GRCh38, 1-based): chr22:28,719,410, G>C on the plus strand (C>G on the coding strand, the complement: CHEK2 is on the minus strand). VCF-style: chr22-28719410-G-C. GRCh37 (hg19) VCF-style: chr22-29115398-G-C.
Other names: c.797C>G, p.Ser266Ter (NM_001005735.3, NM_001438294.1); c.5C>G, p.Ser2Ter (NM_001257387.3, NM_001437942.1); c.761C>G, p.Ser254Ter (NM_001438293.1, NM_001438295.1); c.668C>G, p.Ser223Ter (NM_145862.3); c.482+5476C>G (NM_001349956.3); short protein forms S266*, S223*, S2*, S254*.
Identifiers: ClinVar variation 1754901 (VCV001754901.7), dbSNP rs769193111, ClinGen allele CA10167925.
Genomic context (GRCh38, chr22:28,719,410, plus strand): 5'-GTATAGTGAAAAAATTAAGTGCATTTATATAAGAAAATAATTTACCTTCCAAGAGTTTTT[G>C]ACATGATGTATTCATCTCTTAATGCCTTAGGATAAACTGACTGATCATCTACAGTCAGAT-3'

ClinVar aggregate classification (germline): Pathogenic. Review status: criteria provided, multiple submitters, no conflicts (2 of 4 stars). 3 submissions from 3 submitters: Pathogenic (3). Last evaluated 2023-06-26.

Conditions:
Hereditary cancer-predisposing syndrome. Also called: Neoplastic Syndromes, Hereditary; Tumor predisposition; Hereditary Cancer Syndrome; Hereditary neoplastic syndrome. Identifiers: Orphanet 140162, MedGen C0027672, MeSH D009386, MONDO:0015356.
Familial cancer of breast. Also called: BREAST CANCER, FAMILIAL; hereditary breast carcinoma; Hereditary breast cancer. Identifiers: Orphanet 227535, MedGen C0346153, MONDO:0016419, OMIM 114480. Disease mechanism: loss of function.

Allele frequency attached by ClinVar (database versions not stated): gnomAD exomes below 0.00001; ExAC 0.00002.
gnomAD v4.1: 1 of 1,584,710 alleles (0.000063%); no homozygotes.

Submissions (3):

Myriad Genetics, Inc.
Classification: Pathogenic for Familial cancer of breast. Last evaluated: 2023-06-26. Review status: criteria provided, single submitter. Criteria: Myriad Autosomal Dominant, Autosomal Recessive and X-Linked Classification Criteria (2023). Collection method: clinical testing. Allele origin: unknown.
Comment: This variant is considered pathogenic. This variant creates a termination codon and is predicted to result in premature protein truncation.

Labcorp Genetics (formerly Invitae), Labcorp
Classification: Pathogenic for Familial cancer of breast. Last evaluated: 2023-03-11. Review status: criteria provided, single submitter. Criteria: Invitae Variant Classification Sherloc (09022015). Collection method: clinical testing. Allele origin: germline.
Comment: For these reasons, this variant has been classified as Pathogenic. ClinVar contains an entry for this variant (Variation ID: 1754901). This variant has not been reported in the literature in individuals affected with CHEK2-related conditions. The frequency data for this variant in the population databases is considered unreliable, as metrics indicate poor data quality at this position in the gnomAD database. This sequence change creates a premature translational stop signal (p.Ser223*) in the CHEK2 gene. It is expected to result in an absent or disrupted protein product. Loss-of-function variants in CHEK2 are known to be pathogenic (PMID: 21876083, 24713400).

Ambry Genetics
Classification: Pathogenic for Hereditary cancer-predisposing syndrome. Last evaluated: 2018-12-14. Review status: criteria provided, single submitter. Criteria: Ambry Variant Classification Scheme 2023. Collection method: clinical testing. Allele origin: germline.
Comment: The p.S223* pathogenic mutation (also known as c.668C>G), located in coding exon 4 of the CHEK2 gene, results from a C to G substitution at nucleotide position 668. This changes the amino acid from a serine to a stop codon within coding exon 4. This alteration is expected to result in loss of function by premature protein truncation or nonsense-mediated mRNA decay. As such, this alteration is interpreted as a disease-causing mutation.

Literature cited by the submitters: PubMed 21876083 (cited by Labcorp Genetics (formerly Invitae), Labcorp); PubMed 24713400 (cited by Labcorp Genetics (formerly Invitae), Labcorp).